The following is an entry in ClinVar:

ClinVar aggregate classification (germline): Uncertain significance. Review status: criteria provided, single submitter (1 of 4 stars). 2 submissions from 2 submitters: Uncertain significance (1). 1 of the submissions does not count toward it. Last evaluated 2023-12-07.

Conditions:
Inborn genetic diseases. Identifiers: MedGen C0950123, MeSH D030342.
CD59-related disorder. Also called: CD59-related condition.

Allele frequency attached by ClinVar (database versions not stated): gnomAD exomes 0.00005; gnomAD 0.00009; TOPMed 0.00011; ExAC 0.00013; 1000 Genomes Project 30x 0.00031; 1000 Genomes Project 0.00040.

Submissions (2):

Ambry Genetics
Classification: Uncertain significance for Inborn genetic diseases. Last evaluated: 2023-12-07. Review status: criteria provided, single submitter. Criteria: Ambry Variant Classification Scheme 2023. Collection method: clinical testing. Allele origin: germline.

PreventionGenetics, part of Exact Sciences
Classification: Likely benign for CD59-related condition. Last evaluated: 2023-09-27. Review status: no assertion criteria provided. Collection method: clinical testing. Allele origin: germline. Not counted in ClinVar's aggregate classification.
Comment: This variant is classified as likely benign based on ACMG/AMP sequence variant interpretation guidelines (Richards et al. 2015 PMID: 25741868, with internal and published modifications).

NM_000611.6(CD59):c.71A>G (p.His24Arg)

Gene: CD59 (CD59 molecule (CD59 blood group); minus strand). Cytogenetic location: 11p13.
Variant type: single nucleotide variant.
Coding change: c.71A>G on transcript NM_000611.6 (MANE Select); coding-DNA position 71, A replaced by G.
Protein change: p.His24Arg; replaces histidine 24 with arginine.
Molecular consequence: missense variant.
Genome position (GRCh38, 1-based): chr11:33,717,468, T>C on the plus strand (A>G on the coding strand, the complement: CD59 is on the minus strand). VCF-style: chr11-33717468-T-C. GRCh37 (hg19) VCF-style: chr11-33739014-T-C.
Other names: c.71A>G, p.His24Arg (NM_001127223.1, NM_001127225.2, NM_001127226.2 and 4 more transcripts); short protein forms H24R.
Identifiers: ClinVar variation 3031253 (VCV003031253.3), dbSNP rs560254666, ClinGen allele CA5940775.
Genomic context (GRCh38, chr11:33,717,468, plus strand): 5'-CAATTGACGGCTGTTTTGCAGTCAGCAGTTGGGTTAGGACAGTTGTAGCACTGCAGGCTA[T>C]GACCTAGAATCAGGAAGAAAGTCAGGATCTCTTAAAGCAGCACTGACTTGTCCCCTGGCA-3'
Protein context (NP_000602.1, residues 14-34): LVLAVFCHSG[His24Arg]SLQCYNCPNP